The following is an entry in ClinVar:

ClinVar aggregate classification (germline): Uncertain significance (1 of 4 stars; one submission).

Conditions:
Amyotrophic lateral sclerosis type 10 (ALS10). Also called: AMYOTROPHIC LATERAL SCLEROSIS 10 WITHOUT FRONTOTEMPORAL DEMENTIA AND WITH TDP43 INCLUSIONS; AMYOTROPHIC LATERAL SCLEROSIS 10 WITH OR WITHOUT FRONTOTEMPORAL DEMENTIA AND WITH TDP43 INCLUSIONS; AMYOTROPHIC LATERAL SCLEROSIS 10 WITH OR WITHOUT FRONTOTEMPORAL DEMENTIA; TARDBP-Related Amyotrophic Lateral Sclerosis-Frontotemporal Dementia; Amyotrophic lateral sclerosis 10, with or without FTD. Identifiers: Orphanet 275872, Orphanet 803, MedGen C2677565, MONDO:0012790, OMIM 612069.
FRONTOTEMPORAL LOBAR DEGENERATION WITH TDP43 INCLUSIONS, TARDBP-RELATED. Also called: Frontotemporal lobar degeneration, TARDBP-related. Identifiers: MedGen C3150169, OMIM 612069.

Submission:

Labcorp Genetics (formerly Invitae), Labcorp
Classification: Uncertain significance for Amyotrophic lateral sclerosis type 10; FRONTOTEMPORAL LOBAR DEGENERATION WITH TDP43 INCLUSIONS, TARDBP-RELATED. Last evaluated: 2023-12-04. Review status: criteria provided, single submitter. Criteria: Invitae Variant Classification Sherloc (09022015). Collection method: clinical testing. Allele origin: germline.
Comment: This sequence change replaces valine, which is neutral and non-polar, with isoleucine, which is neutral and non-polar, at codon 57 of the TARDBP protein (p.Val57Ile). This variant is not present in population databases (gnomAD no frequency). This variant has not been reported in the literature in individuals affected with TARDBP-related conditions. Advanced modeling of protein sequence and biophysical properties (such as structural, functional, and spatial information, amino acid conservation, physicochemical variation, residue mobility, and thermodynamic stability) performed at Invitae indicates that this missense variant is not expected to disrupt TARDBP protein function with a negative predictive value of 80%. In summary, the available evidence is currently insufficient to determine the role of this variant in disease. Therefore, it has been classified as a Variant of Uncertain Significance.

NM_007375.4(TARDBP):c.169G>A (p.Val57Ile)

Gene: TARDBP (TAR DNA binding protein; plus strand). Cytogenetic location: 1p36.22.
Variant type: single nucleotide variant.
Coding change: c.169G>A on transcript NM_007375.4 (MANE Select); coding-DNA position 169, G replaced by A.
Protein change: p.Val57Ile; replaces valine 57 with isoleucine.
Molecular consequence: missense variant.
Genome position (GRCh38, 1-based): chr1:11,013,896, G>A. VCF-style: chr1-11013896-G-A. GRCh37 (hg19) VCF-style: chr1-11073953-G-A.
Other names: short protein forms V57I.
Identifiers: ClinVar variation 2939957 (VCV002939957.3), dbSNP rs1643464632, ClinGen allele CA338356223.
Genomic context (GRCh38, chr1:11,013,896, plus strand): 5'-GGGGCGTGTGGGCTTCGCTACAGGAATCCAGTGTCTCAGTGTATGAGAGGTGTCCGGCTG[G>A]TAGAAGGAATTCTGCATGCCCCAGATGCTGGCTGGGGAAATCTGGTGTATGTTGTCAACT-3'
Protein context (NP_031401.1, residues 47-67): VSQCMRGVRL[Val57Ile]EGILHAPDAG